The following is an entry in ClinVar:

ClinVar aggregate classification (germline): Uncertain significance (1 of 4 stars; one submission).

Submission:

GeneDx
Classification: Uncertain significance. Last evaluated: 2025-02-06. Review status: criteria provided, single submitter. Criteria: GeneDx Variant Classification Process June 2021. Collection method: clinical testing. Allele origin: germline. Affected: yes.
Comment: Not observed at significant frequency in large population cohorts (gnomAD); In silico analysis supports that this missense variant has a deleterious effect on protein structure/function; Has not been previously published as pathogenic or benign to our knowledge

NM_001110219.3(GJB6):c.287C>T (p.Ala96Val)

Gene: GJB6 (gap junction protein beta 6; minus strand). Cytogenetic location: 13q12.11.
Variant type: single nucleotide variant.
Coding change: c.287C>T on transcript NM_001110219.3 (MANE Select); coding-DNA position 287, C replaced by T.
Protein change: p.Ala96Val; replaces alanine 96 with valine.
Molecular consequence: missense variant.
Genome position (GRCh38, 1-based): chr13:20,223,194, G>A on the plus strand (C>T on the coding strand, the complement: GJB6 is on the minus strand). VCF-style: chr13-20223194-G-A. GRCh37 (hg19) VCF-style: chr13-20797333-G-A.
Other names: c.287C>T, p.Ala96Val (NM_001110220.3, NM_001110221.3, NM_001370090.1 and 3 more transcripts); short protein forms A96V.
Identifiers: ClinVar variation 4074626 (VCV004074626.1).
Genomic context (GRCh38, chr13:20,223,194, plus strand): 5'-TTGAAATCATTCCTCTTCTCTCCTCGCCTGAACTTGCGAGTGGTTTCGTGCCTGTAGTAG[G>A]CCACATGCATGGCCACCAGCAGCGCTGGGGTGGAGACGAAGATCAGCTGGAGGGCCCACA-3'
Protein context (NP_001103689.1, residues 86-106): TPALLVAMHV[Ala96Val]YYRHETTRKF